The following is an entry in ClinVar:

NM_024642.5(GALNT12):c.138G>A (p.Gly46=)

Gene: GALNT12 (polypeptide N-acetylgalactosaminyltransferase 12; plus strand). Cytogenetic location: 9q22.33.
Variant type: single nucleotide variant.
Coding change: c.138G>A on transcript NM_024642.5 (MANE Select); coding-DNA position 138, G replaced by A.
Protein change: p.Gly46=; no amino-acid change (glycine 46 retained).
Molecular consequence: synonymous variant.
Genome position (GRCh38, 1-based): chr9:98,807,836, G>A. VCF-style: chr9-98807836-G-A. GRCh37 (hg19) VCF-style: chr9-101570118-G-A.
Identifiers: ClinVar variation 416213 (VCV000416213.17), dbSNP rs557604978, ClinGen allele CA16612946.

ClinVar aggregate classification (germline): Benign/Likely benign. Review status: criteria provided, multiple submitters, no conflicts (2 of 4 stars). 6 submissions from 6 submitters: Benign (2); Likely benign (4). Last evaluated 2026-04-22.

Conditions:
Colorectal cancer, susceptibility to, 1. Also called: COLORECTAL ADENOMA AND CANCER, SUSCEPTIBILITY TO; COLORECTAL CANCER, SUSCEPTIBILITY TO, ON CHROMOSOME 9. Identifiers: MedGen C1837315, MONDO:0012132, OMIM 608812.

Allele frequency attached by ClinVar (database versions not stated): gnomAD exomes 0.00006; 1000 Genomes Project 0.00020; gnomAD 0.00107 and 0.00121; 1000 Genomes Project 30x 0.00187; TOPMed 0.00251.
gnomAD v4.1: 235 of 1,016,564 alleles (0.023%); highest among the groups gnomAD compares: Admixed American, 1.2%; 7 homozygotes.

Submissions (6):

Myriad Genetics, Inc.
Classification: Benign for Colorectal cancer, susceptibility to, 1. Last evaluated: 2026-04-22. Review status: criteria provided, single submitter. Criteria: Myriad Autosomal Dominant, Autosomal Recessive and X-Linked Classification Criteria (2023). Collection method: clinical testing. Allele origin: unknown.
Comment: This variant is considered benign. This variant is a silent/synonymous amino acid change and it is not expected to impact splicing.

Labcorp Genetics (formerly Invitae), Labcorp
Classification: Likely benign. Last evaluated: 2026-01-27. Review status: criteria provided, single submitter. Criteria: Invitae Variant Classification Sherloc (09022015). Collection method: clinical testing. Allele origin: germline.

Blueprint Genetics
Classification: Likely benign. Last evaluated: 2024-11-25. Review status: criteria provided, single submitter. Criteria: ACMG Guidelines, 2015. Collection method: clinical testing. Allele origin: germline.

Department of Pathology and Laboratory Medicine, Sinai Health System
Classification: Likely benign for Colorectal cancer, susceptibility to, 1. Last evaluated: 2024-08-15. Review status: criteria provided, single submitter. Criteria: ACMG Guidelines, 2015. Collection method: clinical testing. Allele origin: germline. Affected: yes.

Quest Diagnostics Nichols Institute San Juan Capistrano
Classification: Benign. Last evaluated: 2022-10-01. Review status: criteria provided, single submitter. Criteria: Quest Diagnostics criteria. Collection method: clinical testing. Allele origin: unknown.

Ambry Genetics
Classification: Likely benign. Last evaluated: 2016-09-14. Review status: criteria provided, single submitter. Criteria: Ambry Variant Classification Scheme 2023. Collection method: clinical testing. Allele origin: germline.